The following is an entry in ClinVar:

NM_000501.4(ELN):c.2101C>A (p.Pro701Thr)

Gene: ELN (elastin; plus strand). Cytogenetic location: 7q11.23.
Variant type: single nucleotide variant.
Coding change: c.2101C>A on transcript NM_000501.4 (MANE Select); coding-DNA position 2101, C replaced by A.
Protein change: p.Pro701Thr; replaces proline 701 with threonine.
Molecular consequence: missense variant.
Genome position (GRCh38, 1-based): chr7:74,066,746, C>A. VCF-style: chr7-74066746-C-A. GRCh37 (hg19) VCF-style: chr7-73481076-C-A.
Other names: c.1960C>A, p.Pro654Thr (NM_001081752.3); c.2005C>A, p.Pro669Thr (NM_001081753.3); c.2062C>A, p.Pro688Thr (NM_001081754.3); c.2044C>A, p.Pro682Thr (NM_001081755.3); c.2047C>A, p.Pro683Thr (NM_001278912.2); c.1858C>A, p.Pro620Thr (NM_001278913.2); c.2029C>A, p.Pro677Thr (NM_001278914.2); c.2119C>A, p.Pro707Thr (NM_001278915.2); and 4 more; short protein forms P594T, P654T, P683T, P707T, P669T, P677T, P688T, P701T.
Identifiers: ClinVar variation 4731779 (VCV004731779.1).

ClinVar aggregate classification (germline): Uncertain significance (1 of 4 stars; one submission).

Conditions:
Supravalvar aortic stenosis (SVAS). Also called: Supravalvar aortic stenosis, Eisenberg type. Identifiers: Orphanet 3193, MedGen C0003499, MONDO:0008504, OMIM 185500, HP:0004381.

Submission:

Labcorp Genetics (formerly Invitae), Labcorp
Classification: Uncertain significance for Supravalvar aortic stenosis. Last evaluated: 2025-12-18. Review status: criteria provided, single submitter. Criteria: Invitae Variant Classification Sherloc (09022015). Collection method: clinical testing. Allele origin: germline.
Comment: This sequence change replaces proline, which is neutral and non-polar, with threonine, which is neutral and polar, at codon 763 of the ELN protein (p.Pro763Thr). This variant is not present in population databases (gnomAD no frequency). This variant has not been reported in the literature in individuals affected with ELN-related conditions. Invitae Evidence Modeling of protein sequence and biophysical properties (such as structural, functional, and spatial information, amino acid conservation, physicochemical variation, residue mobility, and thermodynamic stability) indicates that this missense variant is not expected to disrupt ELN protein function with a negative predictive value of 80%. In summary, the available evidence is currently insufficient to determine the role of this variant in disease. Therefore, it has been classified as a Variant of Uncertain Significance.